The following is an entry in ClinVar:

NM_001170629.2(CHD8):c.3734G>A (p.Arg1245Gln)

Gene: CHD8 (chromodomain helicase DNA binding protein 8; minus strand). Cytogenetic location: 14q11.2.
Variant type: single nucleotide variant.
Coding change: c.3734G>A on transcript NM_001170629.2 (MANE Select); coding-DNA position 3734, G replaced by A.
Protein change: p.Arg1245Gln; replaces arginine 1245 with glutamine.
Molecular consequence: missense variant.
Genome position (GRCh38, 1-based): chr14:21,402,484, C>T on the plus strand (G>A on the coding strand, the complement: CHD8 is on the minus strand). VCF-style: chr14-21402484-C-T. GRCh37 (hg19) VCF-style: chr14-21870643-C-T.
Other names: c.2897G>A, p.Arg966Gln (NM_020920.4); short protein forms R1245Q, R966Q.
Identifiers: ClinVar variation 3383728 (VCV003383728.1).

ClinVar aggregate classification (germline): Uncertain significance (1 of 4 stars; one submission).

Submission:

GeneDx
Classification: Uncertain significance. Last evaluated: 2024-05-28. Review status: criteria provided, single submitter. Criteria: GeneDx Variant Classification Process June 2021. Collection method: clinical testing. Allele origin: germline. Affected: yes.
Comment: Not observed at significant frequency in large population cohorts (gnomAD); In silico analysis supports that this missense variant has a deleterious effect on protein structure/function; Has not been previously published as pathogenic or benign to our knowledge